The following is an entry in ClinVar:

NM_001201380.3(CNTNAP3B):c.2130T>C (p.Thr710=)

Gene: CNTNAP3B (contactin associated protein family member 3B; minus strand). Cytogenetic location: 9p11.2.
Variant type: single nucleotide variant.
Coding change: c.2130T>C on transcript NM_001201380.3 (MANE Select); coding-DNA position 2130, T replaced by C.
Protein change: p.Thr710=; no amino-acid change (threonine 710 retained).
Molecular consequence: synonymous variant.
Genome position (GRCh38, 1-based): chr9:41,938,351, A>G on the plus strand (T>C on the coding strand, the complement: CNTNAP3B is on the minus strand). VCF-style: chr9-41938351-A-G. GRCh37 (hg19) VCF-style: chr9-43876038-T-C.
Identifiers: ClinVar variation 3025008 (VCV003025008.22), dbSNP rs564659091, ClinGen allele CA5068732.

ClinVar aggregate classification (germline): Likely benign (1 of 4 stars; one submission).

Allele frequency attached by ClinVar (database versions not stated): 1000 Genomes Project 30x 0.00468; 1000 Genomes Project 0.00519; ExAC 0.00293; gnomAD 0.00394.

Submission:

CeGaT Center for Human Genetics Tuebingen
Classification: Likely benign. Last evaluated: 2024-02-01. Review status: criteria provided, single submitter. Criteria: CeGaT Center For Human Genetics Tuebingen Variant Classification Criteria Version 2. Collection method: clinical testing. Allele origin: germline. Affected: yes. Observed: 1 variant allele.
Comment: CNTNAP3B: BP4, BP7